The following is an entry in ClinVar:

ClinVar aggregate classification (germline): Uncertain significance. Review status: criteria provided, multiple submitters, no conflicts (2 of 4 stars). 3 submissions from 3 submitters: Uncertain significance (3). Last evaluated 2026-04-01.

Conditions:
DIAPH3-related disorder. Also called: DIAPH3-related condition.

gnomAD v4.1: 11 of 1,613,644 alleles (0.00068%); highest among the groups gnomAD compares: Middle Eastern, 0.017%; no homozygotes.

Submissions (3):

PreventionGenetics, part of Exact Sciences
Classification: Uncertain significance for DIAPH3-related condition. Last evaluated: 2026-04-01. Review status: criteria provided, single submitter. Criteria: ACMG Guidelines, 2015. Collection method: clinical testing. Allele origin: germline.
Comment: The DIAPH3 c.1807C>T variant is predicted to result in the amino acid substitution p.Arg603Trp. To our knowledge, this variant has not been reported in the literature. This variant is reported in 0.0099% of alleles in individuals of Ashkenazi Jewish descent in gnomAD. At this time, the clinical significance of this variant is uncertain due to the absence of conclusive functional and genetic evidence.

Labcorp Genetics (formerly Invitae), Labcorp
Classification: Uncertain significance. Last evaluated: 2026-01-01. Review status: criteria provided, single submitter. Criteria: Invitae Variant Classification Sherloc (09022015). Collection method: clinical testing. Allele origin: germline.
Comment: This sequence change replaces arginine, which is basic and polar, with tryptophan, which is neutral and slightly polar, at codon 603 of the DIAPH3 protein (p.Arg603Trp). This variant is present in population databases (rs775933641, gnomAD 0.01%). This variant has not been reported in the literature in individuals affected with DIAPH3-related conditions. An algorithm developed to predict the effect of missense changes on protein structure and function (PolyPhen-2) suggests that this variant is likely to be tolerated. In summary, the available evidence is currently insufficient to determine the role of this variant in disease. Therefore, it has been classified as a Variant of Uncertain Significance.

Women's Health and Genetics/Laboratory Corporation of America, LabCorp
Classification: Uncertain significance. Last evaluated: 2025-07-09. Review status: criteria provided, single submitter. Criteria: LabCorp Variant Classification Summary - May 2015. Collection method: clinical testing. Allele origin: germline.
Comment: Variant summary: DIAPH3 c.1807C>T (p.Arg603Trp) results in a non-conservative amino acid change in the encoded protein sequence. Algorithms developed to predict the effect of missense changes on protein structure and function are either unavailable or do not agree on the potential impact of this missense change. The variant allele was found at a frequency of 1.6e-05 in 249064 control chromosomes (gnomAD). The available data on variant occurrences in the general population are insufficient to allow any conclusion about variant significance. To our knowledge, no occurrence of c.1807C>T in individuals affected with Autosomal Dominant Auditory Neuropathy 1 and no experimental evidence demonstrating its impact on protein function have been reported. No submitters have cited clinical-significance assessments for this variant to ClinVar. Based on the evidence outlined above, the variant was classified as uncertain significance.

NM_001042517.2(DIAPH3):c.1807C>T (p.Arg603Trp)

Gene: DIAPH3 (diaphanous related formin 3; minus strand). Cytogenetic location: 13q21.2.
Variant type: single nucleotide variant.
Coding change: c.1807C>T on transcript NM_001042517.2 (MANE Select); coding-DNA position 1807, C replaced by T.
Protein change: p.Arg603Trp; replaces arginine 603 with tryptophan.
Molecular consequence: missense variant.
Genome position (GRCh38, 1-based): chr13:59,971,004, G>A on the plus strand (C>T on the coding strand, the complement: DIAPH3 is on the minus strand). VCF-style: chr13-59971004-G-A. GRCh37 (hg19) VCF-style: chr13-60545138-G-A.
Other names: c.1774C>T, p.Arg592Trp (NM_001258366.2); c.1669C>T, p.Arg557Trp (NM_001258367.2); c.1597C>T, p.Arg533Trp (NM_001258368.2); c.1807C>T, p.Arg603Trp (NM_001258369.2); c.1018C>T, p.Arg340Trp (NM_001258370.2, NM_030932.4); c.1807C>T (NM_001042517.1); short protein forms R340W, R557W, R592W, R533W, R603W.
Identifiers: ClinVar variation 4526016 (VCV004526016.3).